The following is an entry in ClinVar:

NM_000038.6(APC):c.835-5133G>T

Gene: APC (APC regulator of WNT signaling pathway; plus strand). Cytogenetic location: 5q22.2.
Variant type: single nucleotide variant.
Coding change: c.835-5133G>T on transcript NM_000038.6 (MANE Select); 5133 bases into the intron before coding-DNA position 835, G replaced by T.
Molecular consequence: intron variant.
Genome position (GRCh38, 1-based): chr5:112,810,362, G>T. VCF-style: chr5-112810362-G-T. GRCh37 (hg19) VCF-style: chr5-112146059-G-T.
Other names: c.835-5133G>T (NM_001354895.2, NM_001127510.3, NM_001354896.2 and 1 more transcripts); c.865-5133G>T (NM_001354897.2, NM_001354902.2); c.781-5133G>T (NM_001127511.3); c.760-5133G>T (NM_001354898.2, NM_001354904.2); c.-16+51G>T (NM_001354906.2); c.751-5133G>T (NM_001354899.2); c.658-5133G>T (NM_001354900.2, NM_001354901.2, NM_001354905.2).
Identifiers: ClinVar variation 83079 (VCV000083079.2), dbSNP rs74588801, ClinGen allele CA015279.

ClinVar aggregate classification (germline): other (0 of 4 stars; one submission).

Conditions:
Familial colorectal cancer. Identifiers: MedGen CN280943, MONDO:0023113. Disease mechanism: loss of function.

Submission:

Systems Biology Platform Zhejiang California International NanoSystems Institute
Classification: other for Familial colorectal cancer. Review status: no assertion criteria provided. Collection method: not provided. Allele origin: unknown.
ClinVar note: Converted during submission from cancer to other.